The following is an entry in ClinVar:

NM_000426.4(LAMA2):c.5727-22C>T

Gene: LAMA2 (laminin subunit alpha 2; plus strand). Cytogenetic location: 6q22.33.
Variant type: single nucleotide variant.
Coding change: c.5727-22C>T on transcript NM_000426.4 (MANE Select); 22 bases into the intron before coding-DNA position 5727, C replaced by T.
Molecular consequence: intron variant.
Genome position (GRCh38, 1-based): chr6:129,403,799, C>T. VCF-style: chr6-129403799-C-T. GRCh37 (hg19) VCF-style: chr6-129724944-C-T.
Other names: c.5727-22C>T (NM_001079823.2).
Identifiers: ClinVar variation 682929 (VCV000682929.3), dbSNP rs80125253, ClinGen allele CA3993970.

ClinVar aggregate classification (germline): Benign. Review status: criteria provided, multiple submitters, no conflicts (2 of 4 stars). 3 submissions from 2 submitters: Benign (3). Last evaluated 2021-08-19.

Conditions:
Muscular dystrophy, limb-girdle, autosomal recessive 23. Identifiers: Orphanet 565837, MedGen C4748327, MONDO:0029136, OMIM 618138.
Merosin deficient congenital muscular dystrophy (MDC1A). Also called: Congenital Muscular Dystrophy Type 1A (MDC1A); Congenital merosin-deficient muscular dystrophy 1A. Identifiers: Orphanet 258, MedGen C1263858, MONDO:0011925, OMIM 607855.

Allele frequency attached by ClinVar (database versions not stated): ESP Exome Variant Server 0.00085; gnomAD exomes 0.46212 and 0.48555; ExAC 0.48801; gnomAD 0.50051 and 0.50167; TOPMed 0.50898; 1000 Genomes Project 30x 0.54029; 1000 Genomes Project 0.54073.
gnomAD v4.1: 743,911 of 1,595,498 alleles (47%); highest among the groups gnomAD compares: African/African-American, 62%; 176,947 homozygotes.

Submissions (3):

Genome-Nilou Lab
Classification: Benign for Merosin deficient congenital muscular dystrophy. Last evaluated: 2021-08-19. Review status: criteria provided, single submitter. Criteria: ACMG Guidelines, 2015. Collection method: clinical testing. Allele origin: germline. Affected: no.

Genome-Nilou Lab
Classification: Benign for Muscular dystrophy, limb-girdle, autosomal recessive 23. Last evaluated: 2021-08-19. Review status: criteria provided, single submitter. Criteria: ACMG Guidelines, 2015. Collection method: clinical testing. Allele origin: germline. Affected: no.

GeneDx
Classification: Benign. Last evaluated: 2018-06-18. Review status: criteria provided, single submitter. Criteria: GeneDx Variant Classification (06012015). Collection method: clinical testing. Allele origin: germline. Affected: yes.
Comment: This variant is considered likely benign or benign based on one or more of the following criteria: it is a conservative change, it occurs at a poorly conserved position in the protein, it is predicted to be benign by multiple in silico algorithms, and/or has population frequency not consistent with disease.